The following is an entry in ClinVar:

ClinVar aggregate classification (germline): Pathogenic (1 of 4 stars; one submission).

Submission:

Labcorp Genetics (formerly Invitae), Labcorp
Classification: Pathogenic. Last evaluated: 2023-11-21. Review status: criteria provided, single submitter. Criteria: Invitae Variant Classification Sherloc (09022015). Collection method: clinical testing. Allele origin: germline.
Comment: This sequence change creates a premature translational stop signal (p.His302Leufs*47) in the FREM2 gene. It is expected to result in an absent or disrupted protein product. Loss-of-function variants in FREM2 are known to be pathogenic (PMID: 18203166, 26552811). This variant is not present in population databases (gnomAD no frequency). This variant has not been reported in the literature in individuals affected with FREM2-related conditions. For these reasons, this variant has been classified as Pathogenic.

Literature cited by the submitters: PubMed 18203166; PubMed 26552811.

NM_207361.6(FREM2):c.905_906del (p.His302fs)

Gene: FREM2 (FRAS1 related extracellular matrix 2; plus strand). Cytogenetic location: 13q13.3.
Variant type: Deletion.
Coding change: c.905_906del on transcript NM_207361.6 (MANE Select); coding-DNA positions 905 to 906, 2 bases deleted (AC; older notation c.905_906delAC).
Protein change: p.His302fs; shifts the reading frame from histidine 302.
Molecular consequence: frameshift variant.
Genome position (GRCh38, 1-based): chr13:38,688,249-38,688,250, AC deleted; deleting any 2 consecutive bases within chr13:38,688,248-38,688,250 gives the same sequence; the c. name uses the placement nearest the transcript's 3' end. VCF-style (leftmost placement, unchanged base first): chr13-38688247-GCA-G. GRCh37 (hg19) VCF-style: chr13-39262384-GCA-G.
Other names: short protein forms H302fs.
Identifiers: ClinVar variation 2816727 (VCV002816727.3), dbSNP rs2541350760, ClinGen allele CA2739277547.